The following is an entry in ClinVar:

NM_017951.5(SMPD4):c.-57T>C

Gene: SMPD4 (sphingomyelin phosphodiesterase 4; minus strand). Cytogenetic location: 2q21.1.
Variant type: single nucleotide variant.
Coding change: c.-57T>C on transcript NM_017951.5 (MANE Select); 57 bases upstream of the start codon, T replaced by C.
Molecular consequence: 5 prime UTR variant. On other transcripts: missense variant (2), non-coding transcript variant (2).
Genome position (GRCh38, 1-based): chr2:130,181,541, A>G on the plus strand (T>C on the coding strand, the complement: SMPD4 is on the minus strand). VCF-style: chr2-130181541-A-G. GRCh37 (hg19) VCF-style: chr2-130939114-A-G.
Other names: c.61T>C, p.Trp21Arg (NM_001171083.2, NM_017751.4); short protein forms W21R.
Identifiers: ClinVar variation 2228701 (VCV002228701.2), dbSNP rs1689641222, ClinGen allele CA348482821.
Genomic context (GRCh38, chr2:130,181,541, plus strand): 5'-AGCCCCCAGGGCGCCGGACCGTCTCAGGCGCGCATCCCGCGCCACTCACCTGTGGGATCC[A>G]TAGCGTCGCTCGCCTCAGAGATGGAAGCCGCCATTCCGCCACGGCGCCGAAAGTCGTCAT-3'

ClinVar aggregate classification (germline): Uncertain significance (1 of 4 stars; one submission).

Conditions:
Inborn genetic diseases. Identifiers: MedGen C0950123, MeSH D030342.

Allele frequency attached by ClinVar (database versions not stated): gnomAD exomes below 0.00001; TOPMed 0.00001.

Submission:

Ambry Genetics
Classification: Uncertain significance for Inborn genetic diseases. Last evaluated: 2021-01-12. Review status: criteria provided, single submitter. Criteria: Ambry Variant Classification Scheme 2023. Collection method: clinical testing. Allele origin: germline.
Comment: The c.61T>C (p.W21R) alteration is located in exon 1 (coding exon 1) of the SMPD4 gene. This alteration results from a T to C substitution at nucleotide position 61, causing the tryptophan (W) at amino acid position 21 to be replaced by an arginine (R). The p.W21R alteration is predicted to be tolerated by in silico analysis. Based on insufficient or conflicting evidence, the clinical significance of this alteration remains unclear.